The following is an entry in ClinVar:

NM_032119.4(ADGRV1):c.17933A>G (p.His5978Arg)

Gene: ADGRV1 (adhesion G protein-coupled receptor V1; plus strand). Cytogenetic location: 5q14.3.
Variant type: single nucleotide variant.
Coding change: c.17933A>G on transcript NM_032119.4 (MANE Select); coding-DNA position 17933, A replaced by G.
Protein change: p.His5978Arg; replaces histidine 5978 with arginine.
Molecular consequence: missense variant. On other transcripts: non-coding transcript variant (1).
Genome position (GRCh38, 1-based): chr5:90,965,491, A>G. VCF-style: chr5-90965491-A-G. GRCh37 (hg19) VCF-style: chr5-90261308-A-G.
Other names: short protein forms H5978R.
Identifiers: ClinVar variation 289480 (VCV000289480.15), dbSNP rs756460900, ClinGen allele CA10606456.

ClinVar aggregate classification (germline): Conflicting classifications of pathogenicity. Review status: criteria provided, conflicting classifications (1 of 4 stars). 4 submissions from 4 submitters: Pathogenic (2); Likely pathogenic (1); Uncertain significance (1). Last evaluated 2025-11-10.

Conditions:
Usher syndrome. Also called: Usher's syndrome; Usher Syndromes. Identifiers: Orphanet 886, MedGen CN469326, MeSH D052245, MONDO:0019501. Disease mechanism: loss of function.
Febrile seizures, familial, 4 (FEB4). Also called: CONVULSIONS, FAMILIAL FEBRILE, 4. Identifiers: MedGen C1858493, MONDO:0011443, OMIM 604352.
Usher syndrome type 2C. Also called: Usher syndrome, type 2B; USHER SYNDROME, TYPE IIC. Identifiers: Orphanet 231178, Orphanet 886, MedGen C2931213, MONDO:0011558, OMIM 605472.

Allele frequency attached by ClinVar (database versions not stated): gnomAD exomes below 0.00001; TOPMed 0.00001; gnomAD 0.00002.
gnomAD v4.1: 9 of 1,613,440 alleles (0.00056%); highest among the groups gnomAD compares: African/African-American, 0.0013%; no homozygotes.

Submissions (4):

Labcorp Genetics (formerly Invitae), Labcorp
Classification: Pathogenic. Last evaluated: 2025-11-10. Review status: criteria provided, single submitter. Criteria: Invitae Variant Classification Sherloc (09022015). Collection method: clinical testing. Allele origin: germline.
Comment: This sequence change replaces histidine, which is basic and polar, with arginine, which is basic and polar, at codon 5978 of the ADGRV1 protein (p.His5978Arg). This variant is not present in population databases (gnomAD no frequency). This missense change has been observed in individual(s) with Usher syndrome type 2 (PMID: 22147658, 30459346). In at least one individual the data is consistent with being in trans (on the opposite chromosome) from a pathogenic variant. ClinVar contains an entry for this variant (Variation ID: 289480). Invitae Evidence Modeling of protein sequence and biophysical properties (such as structural, functional, and spatial information, amino acid conservation, physicochemical variation, residue mobility, and thermodynamic stability) indicates that this missense variant is not expected to disrupt ADGRV1 protein function with a negative predictive value of 95%. For these reasons, this variant has been classified as Pathogenic.

Fulgent Genetics
Classification: Likely pathogenic for Febrile seizures, familial, 4; Usher syndrome type 2C. Last evaluated: 2024-05-29. Review status: criteria provided, single submitter. Criteria: ACMG Guidelines, 2015. Collection method: clinical testing. Allele origin: germline.

Women's Health and Genetics/Laboratory Corporation of America, LabCorp
Classification: Pathogenic for Usher syndrome. Last evaluated: 2021-09-14. Review status: criteria provided, single submitter. Criteria: LabCorp Variant Classification Summary - May 2015. Collection method: clinical testing. Allele origin: germline.
Comment: Variant summary: ADGRV1 c.17933A>G (p.His5978Arg) results in a non-conservative amino acid change located in the GPCR, family 2-like domain (IPR017981) of the encoded protein sequence. Four of five in-silico tools predict a damaging effect of the variant on protein function. The variant was absent in 248956 control chromosomes (gnomAD). c.17933A>G has been reported in the literature in multiple individuals affected with Usher Syndrome (e.g. Besnard_2012, Sloan-Heggen_2016, Fuster-Garcia_2018, Garcia-Garcia_2020). These data indicate that the variant is very likely to be associated with disease. To our knowledge, no experimental evidence demonstrating an impact on protein function has been reported. A ClinVar submitter (evaluation after 2014) cites the variant as pathogenic, while another ClinVar submitter (evaluation after 2014) cites it as uncertain significance. Based on the evidence outlined above, the variant was classified as pathogenic.

Eurofins Ntd Llc (ga)
Classification: Uncertain significance. Last evaluated: 2016-07-25. Review status: criteria provided, single submitter. Criteria: EGL Classification Definitions 2015. Collection method: clinical testing. Allele origin: germline. Observed: 1 variant allele, 1 heterozygote.

Literature cited by the submitters: PubMed 22147658 (cited by Labcorp Genetics (formerly Invitae), Labcorp and Women's Health and Genetics/Laboratory Corporation of America, LabCorp); PubMed 30459346 (cited by Labcorp Genetics (formerly Invitae), Labcorp and Women's Health and Genetics/Laboratory Corporation of America, LabCorp); PubMed 26969326 (cited by Women's Health and Genetics/Laboratory Corporation of America, LabCorp); PubMed 33297549 (cited by Women's Health and Genetics/Laboratory Corporation of America, LabCorp).